The following is an entry in ClinVar:

NM_005515.4(MNX1):c.427C>G (p.Pro143Ala)

Genes: MNX1 (motor neuron and pancreas homeobox 1; minus strand), LOC129999736 (ATAC-STARR-seq lymphoblastoid silent region 18858; plus strand). Cytogenetic location: 7q36.3.
Variant type: single nucleotide variant.
Coding change: c.427C>G on transcript NM_005515.4 (MANE Select); coding-DNA position 427, C replaced by G.
Protein change: p.Pro143Ala; replaces proline 143 with alanine.
Molecular consequence: missense variant.
Genome position (GRCh38, 1-based): chr7:157,009,924, G>C on the plus strand (C>G on the coding strand, the complement: MNX1 is on the minus strand). VCF-style: chr7-157009924-G-C. GRCh37 (hg19) VCF-style: chr7-156802618-G-C.
Other names: short protein forms P143A.
Identifiers: ClinVar variation 1443812 (VCV001443812.8), dbSNP rs1805677803, ClinGen allele CA370164579.

ClinVar aggregate classification (germline): Uncertain significance (1 of 4 stars; one submission).

Submission:

Labcorp Genetics (formerly Invitae), Labcorp
Classification: Uncertain significance. Last evaluated: 2021-05-09. Review status: criteria provided, single submitter. Criteria: Invitae Variant Classification Sherloc (09022015). Collection method: clinical testing. Allele origin: germline.
Comment: In summary, the available evidence is currently insufficient to determine the role of this variant in disease. Therefore, it has been classified as a Variant of Uncertain Significance. Algorithms developed to predict the effect of missense changes on protein structure and function are either unavailable or do not agree on the potential impact of this missense change (SIFT: "Deleterious"; PolyPhen-2: "Not Available"; Align-GVGD: "Class C0"). This variant has not been reported in the literature in individuals with MNX1-related conditions. The frequency data for this variant in the population databases is considered unreliable, as metrics indicate insufficient coverage at this position in the ExAC database. This sequence change replaces proline with alanine at codon 143 of the MNX1 protein (p.Pro143Ala). The proline residue is moderately conserved and there is a small physicochemical difference between proline and alanine.